The following is an entry in ClinVar:

NM_032977.4(CASP10):c.1452C>T (p.Asn484=)

Gene: CASP10 (caspase 10; plus strand). Cytogenetic location: 2q33.1.
Variant type: single nucleotide variant.
Coding change: c.1452C>T on transcript NM_032977.4 (MANE Select); coding-DNA position 1452, C replaced by T.
Protein change: p.Asn484=; no amino-acid change (asparagine 484 retained).
Molecular consequence: synonymous variant. On other transcripts: 3 prime UTR variant (1), intron variant (2).
Genome position (GRCh38, 1-based): chr2:201,217,624, C>T. VCF-style: chr2-201217624-C-T. GRCh37 (hg19) VCF-style: chr2-202082347-C-T.
Other names: c.1251C>T, p.Asn417= (NM_001206524.2); c.1323C>T, p.Asn441= (NM_001230.5); c.*538C>T (NM_032976.4); c.1415+8062C>T (NM_032974.5); c.1286+8062C>T (NM_001206542.2).
Identifiers: ClinVar variation 743264 (VCV000743264.15), dbSNP rs375762220, ClinGen allele CA2053275.
Genomic context (GRCh38, chr2:201,217,624, plus strand): 5'-ATTTTGTTTTCTTCTTTGTTGCAGACATGAAGACATCTTATCCATCCTCACTGCTGTCAA[C>T]GATGATGTGAGTCGAAGAGTGGACAAACAGGGAACAAAGAAACAGATGCCCCAGCCTGCT-3'
Protein context (NP_116759.2, residues 474-494): EDILSILTAV[Asn484=]DDVSRRVDKQ

ClinVar aggregate classification (germline): Likely benign. Review status: criteria provided, multiple submitters, no conflicts (2 of 4 stars). 3 submissions from 3 submitters: Likely benign (2). 1 of the submissions does not count toward it. Last evaluated 2025-12-01.

Conditions:
CASP10-related disorder. Also called: CASP10-related condition.
Autoimmune lymphoproliferative syndrome type 2A (ALPS2A). Also called: CASP10-Related Autoimmune Lymphoproliferative Syndrome; AUTOIMMUNE LYMPHOPROLIFERATIVE SYNDROME, TYPE IIA; Autoimmune lymphoproliferative syndrome type 2. Identifiers: Orphanet 3261, MedGen C1858968, MONDO:0011383, OMIM 603909.

Allele frequency attached by ClinVar (database versions not stated): ExAC 0.00007; ESP Exome Variant Server 0.00008; gnomAD 0.00011 and 0.00012; TOPMed 0.00015; 1000 Genomes Project 30x 0.00016; 1000 Genomes Project 0.00020; gnomAD exomes 0.00004 and 0.00005.

Submissions (3):

Labcorp Genetics (formerly Invitae), Labcorp
Classification: Likely benign for Autoimmune lymphoproliferative syndrome type 2A. Last evaluated: 2025-12-01. Review status: criteria provided, single submitter. Criteria: Invitae Variant Classification Sherloc (09022015). Collection method: clinical testing. Allele origin: germline.

Blueprint Genetics
Classification: Likely benign. Last evaluated: 2023-08-29. Review status: criteria provided, single submitter. Criteria: ACMG Guidelines, 2015. Collection method: clinical testing. Allele origin: germline.

PreventionGenetics, part of Exact Sciences
Classification: Likely benign for CASP10-related condition. Last evaluated: 2020-02-05. Review status: no assertion criteria provided. Collection method: clinical testing. Allele origin: germline. Not counted in ClinVar's aggregate classification.
Comment: This variant is classified as likely benign based on ACMG/AMP sequence variant interpretation guidelines (Richards et al. 2015 PMID: 25741868, with internal and published modifications).